The following is an entry in ClinVar:

NM_002755.4(MAP2K1):c.794_860dup (p.Pro287_Pro288insSerArgCysGlnGlyAlaGlyAlaAspValTrpValProGlyGlyArgArgCysGlyTer)

Gene: MAP2K1 (mitogen-activated protein kinase kinase 1; plus strand). Cytogenetic location: 15q22.31.
Variant type: Duplication.
Coding change: c.794_860dup on transcript NM_002755.4 (MANE Select); coding-DNA positions 794 to 860, 67 bases duplicated.
Protein change: p.Pro287_Pro288insSerArgCysGlnGlyAlaGlyAlaAspValTrpValProGlyGlyArgArgCysGlyTer.
Molecular consequence: nonsense, inframe insertion.
Genome position (GRCh38, 1-based): chr15:66,485,090-66,485,156, 67 bases duplicated. GRCh37 (hg19): chr15:66,777,428-66,777,494.
Identifiers: ClinVar variation 917818 (VCV000917818.1), dbSNP rs1893005622, ClinGen allele CA1139664038.

ClinVar aggregate classification (germline): Uncertain significance (1 of 4 stars; one submission).

Submission:

Women's Health and Genetics/Laboratory Corporation of America, LabCorp
Classification: Uncertain significance. Last evaluated: 2020-04-13. Review status: criteria provided, single submitter. Criteria: LabCorp Variant Classification Summary - May 2015. Collection method: clinical testing. Allele origin: germline.
Comment: Variant summary: MAP2K1 c.794_860dup67 (p.Pro288SerfsX20) results in a premature termination codon, predicted to cause a truncation of the encoded protein or absence of the protein due to nonsense mediated decay. The variant was absent in 251436 control chromosomes (gnomAD). The available data on variant occurrences in the general population are insufficient to allow any conclusion about variant significance. To our knowledge, no occurrence of c.794_860dup67 in individuals affected with Noonan Syndrome And Related Conditions and no experimental evidence demonstrating its impact on protein function have been reported. No clinical diagnostic laboratories have submitted clinical-significance assessments for this variant to ClinVar after 2014. Based on the evidence outlined above, the variant was classified as uncertain significance.